The following is an entry in ClinVar:

ClinVar aggregate classification (germline): Likely benign (1 of 4 stars; one submission).

gnomAD v4.1: 60 of 1,613,710 alleles (0.0037%); highest among the groups gnomAD compares: Non-Finnish European, 0.005%; no homozygotes.

Submission:

CeGaT Center for Human Genetics Tuebingen
Classification: Likely benign. Last evaluated: 2026-07-01. Review status: criteria provided, single submitter. Criteria: CeGaT Center For Human Genetics Tuebingen Variant Classification Criteria Version 2. Collection method: clinical testing. Allele origin: germline. Affected: yes. Observed: 1 variant allele.
Comment: FHOD3: BP4

NM_001281740.3(FHOD3):c.2197G>A (p.Val733Met)

Gene: FHOD3 (formin homology 2 domain containing 3; plus strand). Cytogenetic location: 18q12.2.
Variant type: single nucleotide variant.
Coding change: c.2197G>A on transcript NM_001281740.3 (MANE Select); coding-DNA position 2197, G replaced by A.
Protein change: p.Val733Met; replaces valine 733 with methionine.
Molecular consequence: missense variant.
Genome position (GRCh38, 1-based): chr18:36,693,384, G>A. VCF-style: chr18-36693384-G-A. GRCh37 (hg19) VCF-style: chr18-34273347-G-A.
Other names: c.1621G>A, p.Val541Met (NM_001281739.3); c.1672G>A, p.Val558Met (NM_025135.5); short protein forms V541M, V558M, V733M.
Identifiers: ClinVar variation 5038466 (VCV005038466.1).